The following is an entry in ClinVar:

ClinVar aggregate classification (germline): not provided (0 of 4 stars; one submission).

Conditions:
Familial juvenile hyperuricemic nephropathy type 1 (ADTKD1). Also called: Autosomal Dominant Tubulointerstitial Kidney Disease – UMOD; Glomerulocystic kidney disease with hyperuricemia and isosthenuria; Medullary cystic kidney disease 2; UMOD-Associated Kidney Disease; Uromodulin-associated kidney disease. Identifiers: Orphanet 209886, Orphanet 34149, Orphanet 88950, MedGen C4551496, MONDO:0008073, OMIM 162000.

Submission:

GeneReviews
No classification provided. Condition: Familial juvenile hyperuricemic nephropathy type 1. Review status: no classification provided. Collection method: literature only. Allele origin: germline.
Comment: Possible association with Later onset of ESRD

Literature cited by the submitters: PubMed 32954071.

NM_003361.4(UMOD):c.503T>C (p.Leu168Pro)

Gene: UMOD (uromodulin; minus strand). Cytogenetic location: 16p12.3.
Variant type: single nucleotide variant.
Coding change: c.503T>C on transcript NM_003361.4 (MANE Select); coding-DNA position 503, T replaced by C.
Protein change: p.Leu168Pro; replaces leucine 168 with proline.
Molecular consequence: missense variant. On other transcripts: non-coding transcript variant (1).
Genome position (GRCh38, 1-based): chr16:20,348,798, A>G on the plus strand (T>C on the coding strand, the complement: UMOD is on the minus strand). VCF-style: chr16-20348798-A-G. GRCh37 (hg19) VCF-style: chr16-20360120-A-G.
Other names: c.503T>C, p.Leu168Pro (NM_001008389.3, NM_001378232.1, NM_001378233.1 and 3 more transcripts); c.602T>C, p.Leu201Pro (NM_001278614.2); short protein forms L168P, L201P.
Identifiers: ClinVar variation 1312492 (VCV001312492.4), dbSNP rs2141675428, ClinGen allele CA394985684.